The following is an entry in ClinVar:

ClinVar aggregate classification (germline): Uncertain significance. Review status: criteria provided, multiple submitters, no conflicts (2 of 4 stars). 3 submissions from 3 submitters: Uncertain significance (3). Last evaluated 2024-05-08.

Conditions:
Hereditary cancer-predisposing syndrome. Also called: Hereditary Cancer Syndrome; Tumor predisposition; Neoplastic Syndromes, Hereditary; Hereditary neoplastic syndrome. Identifiers: Orphanet 140162, MedGen C0027672, MeSH D009386, MONDO:0015356.
Multiple endocrine neoplasia, type 2 (MEN2). Identifiers: Orphanet 653, MedGen C4048306, MONDO:0019003. Disease mechanism: gain of function.

gnomAD v4.1: 2 of 1,613,858 alleles (0.00012%); highest among the groups gnomAD compares: Non-Finnish European, 0.00017%; no homozygotes.

Submissions (3):

Labcorp Genetics (formerly Invitae), Labcorp
Classification: Uncertain significance for Multiple endocrine neoplasia, type 2. Last evaluated: 2024-05-08. Review status: criteria provided, single submitter. Criteria: Invitae Variant Classification Sherloc (09022015). Collection method: clinical testing. Allele origin: germline.
Comment: This sequence change replaces serine, which is neutral and polar, with phenylalanine, which is neutral and non-polar, at codon 922 of the RET protein (p.Ser922Phe). This variant is not present in population databases (gnomAD no frequency). This variant has not been reported in the literature in individuals affected with RET-related conditions. ClinVar contains an entry for this variant (Variation ID: 1013765). An algorithm developed to predict the effect of missense changes on protein structure and function (PolyPhen-2) suggests that this variant is likely to be disruptive. Experimental studies have shown that this missense change does not substantially affect RET function (PMID: 19366855). In summary, the available evidence is currently insufficient to determine the role of this variant in disease. Therefore, it has been classified as a Variant of Uncertain Significance.

Ambry Genetics
Classification: Uncertain significance for Hereditary cancer-predisposing syndrome. Last evaluated: 2024-03-11. Review status: criteria provided, single submitter. Criteria: Ambry Variant Classification Scheme 2023. Collection method: clinical testing. Allele origin: germline.
Comment: The p.S922F variant (also known as c.2765C>T), located in coding exon 16 of the RET gene, results from a C to T substitution at nucleotide position 2765. The serine at codon 922 is replaced by phenylalanine, an amino acid with highly dissimilar properties. This amino acid position is highly conserved in available vertebrate species. In addition, this alteration is predicted to be deleterious by in silico analysis. Based on the available evidence, the clinical significance of this alteration remains unclear.

All of Us Research Program, National Institutes of Health
Classification: Uncertain significance for Multiple endocrine neoplasia, type 2. Last evaluated: 2023-06-28. Review status: criteria provided, single submitter. Criteria: ACMG Guidelines, 2015. Collection method: clinical testing. Allele origin: germline. Inheritance: Autosomal dominant inheritance. Observed: 1 variant allele, 1 heterozygote.
Comment: This missense variant replaces serine with phenylalanine at codon 922 of the RET protein. Computational prediction suggests that this variant may have deleterious impact on protein structure and function (internally defined REVEL score threshold >= 0.7, PMID: 27666373). A functional study has reported that the variant protein retained the ability to bind the aryl hydrocarbon receptor-interacting protein (PMID: 19366855), and the clinical significance of this finding is unknown. This variant has not been reported in individuals affected with hereditary cancer in the literature. This variant has not been identified in the general population by the Genome Aggregation Database (gnomAD). The available evidence is insufficient to determine the role of this variant in disease conclusively. Therefore, this variant is classified as a Variant of Uncertain Significance.

This study involves interpretation of variants in research participants for the purpose of population health screening. Participant phenotype was not available at the time of variant classification. Additional details can be found in publication PMID: 35346344, PMCID: PMC8962531

Literature cited by the submitters: PubMed 19366855 (cited by Labcorp Genetics (formerly Invitae), Labcorp and All of Us Research Program, National Institutes of Health).

NM_020975.6(RET):c.2765C>T (p.Ser922Phe)

Gene: RET (ret proto-oncogene; plus strand). Cytogenetic location: 10q11.21.
Variant type: single nucleotide variant.
Coding change: c.2765C>T on transcript NM_020975.6 (MANE Select); coding-DNA position 2765, C replaced by T.
Protein change: p.Ser922Phe; replaces serine 922 with phenylalanine.
Molecular consequence: missense variant.
Genome position (GRCh38, 1-based): chr10:43,121,980, C>T. VCF-style: chr10-43121980-C-T. GRCh37 (hg19) VCF-style: chr10-43617428-C-T.
Other names: c.2765C>T, p.Ser922Phe (NM_000323.2, NM_001406743.1, NM_001406744.1 and 4 more transcripts); c.2003C>T, p.Ser668Phe (NM_001355216.2); c.2636C>T, p.Ser879Phe (NM_001406761.1, NM_001406762.1, NM_001406764.1); c.2630C>T, p.Ser877Phe (NM_001406763.1, NM_001406765.1); c.2477C>T, p.Ser826Phe (NM_001406766.1, NM_001406767.1, NM_001406770.1); c.2501C>T, p.Ser834Phe (NM_001406768.1); c.2369C>T, p.Ser790Phe (NM_001406769.1, NM_001406772.1); c.2327C>T, p.Ser776Phe (NM_001406771.1, NM_001406773.1); and 10 more; short protein forms S668F, S922F, S487F, S623F, S776F, S826F, S834F, S439F.
Identifiers: ClinVar variation 1013765 (VCV001013765.8), dbSNP rs377767432, ClinGen allele CA206267151.
Genomic context (GRCh38, chr10:43,121,980, plus strand): 5'-ATGTCTTTATTCCATCTTCTCTTTAGGGTCGGATTCCAGTTAAATGGATGGCAATTGAAT[C>T]CCTTTTTGATCATATCTACACCACGCAAAGTGATGTGTAAGTGTGGGTGTTGCTCTCTTG-3'
Protein context (NP_066124.1, residues 912-932): RIPVKWMAIE[Ser922Phe]LFDHIYTTQS